The following continues an entry in ClinVar:

NM_007294.4(BRCA1):c.3817C>T (p.Gln1273Ter)

ClinVar aggregate classification (germline): Pathogenic. Pathogenic (1).

Submissions 8 to 17 of 17:

All of Us Research Program, National Institutes of Health
Classification: Pathogenic for Breast-ovarian cancer, familial, susceptibility to, 1. Last evaluated: 2023-07-19. Review status: criteria provided, single submitter. Criteria: ACMG Guidelines, 2015. Collection method: clinical testing. Allele origin: germline. Inheritance: Autosomal dominant inheritance. Observed: 1 variant allele, 1 heterozygote. Not counted in ClinVar's aggregate classification.
Comment: This variant changes 1 nucleotide in exon 10 of the BRCA1 gene, creating a premature translation stop signal. This variant is expected to result in an absent or non-functional protein product. This variant has been reported in multiple individuals and families affected with breast and/or ovarian cancer (PMID: 16261400, 18097605, 24728189, 24916970, 25682074, 27553368, 29088781, 31125277, 33008098), and has been described as a founder variant in the Chilean population (PMID: 29088781). This variant has been identified in 11 families among the CIMBA participants (PMID: 29446198) and in a breast cancer case-control meta-analysis in 2/60466 cases and 0/53461 unaffected individuals (PMID: 33471991; Leiden Open Variation Database DB-ID BRCA1_001874). This variant has not been identified in the general population by the Genome Aggregation Database (gnomAD). Loss of BRCA1 function is a known mechanism of disease. Based on the available evidence, this variant is classified as Pathogenic.

This study involves interpretation of variants in research participants for the purpose of population health screening. Participant phenotype was not available at the time of variant classification. Additional details can be found in publication PMID: 35346344, PMCID: PMC8962531

Color Diagnostics, LLC DBA Color Health
Classification: Pathogenic for Hereditary cancer-predisposing syndrome. Last evaluated: 2023-03-22. Review status: criteria provided, single submitter. Criteria: ACMG Guidelines, 2015. Collection method: clinical testing. Allele origin: germline. Not counted in ClinVar's aggregate classification.
Comment: This variant changes 1 nucleotide in exon 10 of the BRCA1 gene, creating a premature translation stop signal. This variant is expected to result in an absent or non-functional protein product. This variant has been reported in multiple individuals and families affected with breast and/or ovarian cancer (PMID: 16261400, 18097605, 24728189, 24916970, 25682074, 27553368, 29088781, 31125277, 33008098), and has been described as a founder variant in the Chilean population (PMID: 29088781). This variant has been identified in 11 families among the CIMBA participants (PMID: 29446198) and in a breast cancer case-control meta-analysis in 2/60466 cases and 0/53461 unaffected individuals (PMID: 33471991; Leiden Open Variation Database DB-ID BRCA1_001874). This variant has not been identified in the general population by the Genome Aggregation Database (gnomAD). Loss of BRCA1 function is a known mechanism of disease. Based on the available evidence, this variant is classified as Pathogenic.

Mendelics
Classification: Pathogenic for Hereditary breast and ovarian cancer syndrome. Last evaluated: 2018-07-02. Review status: criteria provided, single submitter. Criteria: Mendelics Assertion Criteria 2017. Collection method: clinical testing. Allele origin: unknown. Not counted in ClinVar's aggregate classification.

Consortium of Investigators of Modifiers of BRCA1/2 (CIMBA), c/o University of Cambridge
Classification: Pathogenic for Breast-ovarian cancer, familial, susceptibility to, 1. Last evaluated: 2015-10-02. Review status: criteria provided, single submitter. Criteria: CIMBA Mutation Classification guidelines May 2016. Collection method: clinical testing. Allele origin: germline. Not counted in ClinVar's aggregate classification.

Department of Medical Genetics, Oslo University Hospital
Classification: Pathogenic for Breast-ovarian cancer, familial, susceptibility to, 1. Last evaluated: 2015-07-01. Review status: criteria provided, single submitter. Criteria: ACMG Guidelines, 2015. Collection method: clinical testing. Allele origin: germline. Affected: yes. Observed: 1 variant allele. Not counted in ClinVar's aggregate classification.

Genesis Genomics
Classification: Pathogenic for Breast-ovarian cancer, familial, susceptibility to, 1. Review status: criteria provided, single submitter. Criteria: ACMG Guidelines, 2015. Collection method: clinical testing. Allele origin: germline. Affected: yes. Observed: 1 variant allele. Not counted in ClinVar's aggregate classification.

Research Molecular Genetics Laboratory, Women's College Hospital, University of Toronto
Classification: Pathogenic for Hereditary breast ovarian cancer syndrome. Last evaluated: 2014-01-31. Review status: no assertion criteria provided. Collection method: research. Allele origin: germline. Affected: yes. Study: The Canadian Open Genetics Repository (COGR). Not counted in ClinVar's aggregate classification.

Breast Cancer Information Core (BIC) (BRCA1)
Classification: Pathogenic for Breast-ovarian cancer, familial 1. Last evaluated: 2002-05-29. Review status: no assertion criteria provided. Collection method: clinical testing. Allele origin: germline. Affected: yes. Observed: 9 variant alleles. Not counted in ClinVar's aggregate classification.

Center for Precision Medicine, Meizhou People's Hospital
Classification: Pathogenic for Familial cancer of breast. Review status: no assertion criteria provided. Collection method: literature only. Allele origin: germline. Affected: yes. Not counted in ClinVar's aggregate classification.

Department of Pathology and Laboratory Medicine, Sinai Health System
Classification: Uncertain significance. Review status: no assertion criteria provided. Collection method: clinical testing. Allele origin: unknown. Affected: yes. Observed: 1 variant allele. Study: The Canadian Open Genetics Repository (COGR). Not counted in ClinVar's aggregate classification.

Literature cited by the submitters: PubMed 31125277 (cited by 3 submitters); PubMed 31892343 (cited by Dasa); PubMed 29446198 (cited by 5 submitters); PubMed 29907814 (cited by Dasa); PubMed 29088781 (cited by 6 submitters); PubMed 16261400 (cited by 4 submitters); PubMed 25682074 (cited by 5 submitters); PubMed 24916970 (cited by 5 submitters); PubMed 24728189 (cited by 5 submitters); PubMed 33471991 (cited by 3 submitters); PubMed 36881271 (cited by Quest Diagnostics Nichols Institute San Juan Capistrano); PubMed 30014164 (cited by Quest Diagnostics Nichols Institute San Juan Capistrano); PubMed 35918668 (cited by Quest Diagnostics Nichols Institute San Juan Capistrano); PubMed 17063270 (cited by Quest Diagnostics Nichols Institute San Juan Capistrano and Labcorp Genetics (formerly Invitae), Labcorp); PubMed 16267036 (cited by Quest Diagnostics Nichols Institute San Juan Capistrano); PubMed 18567944 (cited by Ambry Genetics); PubMed 26083025 (cited by Ambry Genetics and Center for Precision Medicine, Meizhou People's Hospital); PubMed 27553368 (cited by 4 submitters); PubMed 29339979 (cited by Ambry Genetics); PubMed 20104584 (cited by Labcorp Genetics (formerly Invitae), Labcorp); PubMed 18097605 (cited by All of Us Research Program, National Institutes of Health and Color Diagnostics, LLC DBA Color Health); PubMed 33008098 (cited by All of Us Research Program, National Institutes of Health and Color Diagnostics, LLC DBA Color Health).